The following is an entry in ClinVar:

ClinVar aggregate classification (germline): Uncertain significance (1 of 4 stars; one submission).

Conditions:
Hereditary cancer-predisposing syndrome. Also called: Neoplastic Syndromes, Hereditary; Tumor predisposition; Hereditary Cancer Syndrome; Hereditary neoplastic syndrome. Identifiers: Orphanet 140162, MedGen C0027672, MeSH D009386, MONDO:0015356.

Submission:

Ambry Genetics
Classification: Uncertain significance for Hereditary cancer-predisposing syndrome. Last evaluated: 2026-02-20. Review status: criteria provided, single submitter. Criteria: Ambry Variant Classification Scheme 2023. Collection method: clinical testing. Allele origin: germline.
Comment: The p.L2176F variant (also known as c.6528G>T), located in coding exon 15 of the APC gene, results from a G to T substitution at nucleotide position 6528. The leucine at codon 2176 is replaced by phenylalanine, an amino acid with highly similar properties. This amino acid position is conserved. In addition, in silico predictors for this gene do not accurately predict pathogenicity. Based on the available evidence, the clinical significance of this variant remains unclear.

NM_000038.6(APC):c.6528G>T (p.Leu2176Phe)

Gene: APC (APC regulator of Wnt signaling pathway; plus strand). Cytogenetic location: 5q22.2.
Variant type: single nucleotide variant.
Coding change: c.6528G>T on transcript NM_000038.6 (MANE Select); coding-DNA position 6528, G replaced by T.
Protein change: p.Leu2176Phe; replaces leucine 2176 with phenylalanine.
Molecular consequence: missense variant. On other transcripts: non-coding transcript variant (2).
Genome position (GRCh38, 1-based): chr5:112,842,122, G>T. VCF-style: chr5-112842122-G-T. GRCh37 (hg19) VCF-style: chr5-112177819-G-T.
Other names: c.6528G>T, p.Leu2176Phe (NM_001127510.3, NM_001354895.2, NM_001407450.1); c.6474G>T, p.Leu2158Phe (NM_001127511.3); c.6582G>T, p.Leu2194Phe (NM_001354896.2, NM_001407447.1, NM_001407448.1 and 1 more transcripts); c.6558G>T, p.Leu2186Phe (NM_001354897.2); c.6453G>T, p.Leu2151Phe (NM_001354898.2); c.6444G>T, p.Leu2148Phe (NM_001354899.2); c.6405G>T, p.Leu2135Phe (NM_001354900.2); c.6351G>T, p.Leu2117Phe (NM_001354901.2, NM_001407453.1); and 11 more; short protein forms L2016F, L2075F, L2135F, L2151F, L2158F, L2166F, L2176F, L1893F.
Identifiers: ClinVar variation 4825077 (VCV004825077.1).